The following is an entry in ClinVar:

NM_032382.5(COG8):c.1017C>T (p.Gly339=)

Gene: COG8 (component of oligomeric golgi complex 8; minus strand). Cytogenetic location: 16q22.1.
Variant type: single nucleotide variant.
Coding change: c.1017C>T on transcript NM_032382.5 (MANE Select); coding-DNA position 1017, C replaced by T.
Protein change: p.Gly339=; no amino-acid change (glycine 339 retained).
Molecular consequence: synonymous variant.
Genome position (GRCh38, 1-based): chr16:69,334,917, G>A on the plus strand (C>T on the coding strand, the complement: COG8 is on the minus strand). VCF-style: chr16-69334917-G-A. GRCh37 (hg19) VCF-style: chr16-69368820-G-A.
Other names: c.1017C>T, p.Gly339= (NM_001379262.1, NM_001379263.1, NM_001379264.1 and 4 more transcripts).
Identifiers: ClinVar variation 196568 (VCV000196568.24), dbSNP rs72795277, ClinGen allele CA243566.

ClinVar aggregate classification (germline): Conflicting classifications of pathogenicity. Review status: criteria provided, conflicting classifications (1 of 4 stars). 5 submissions from 5 submitters: Uncertain significance (1); Likely benign (4). Last evaluated 2025-09-23.

Conditions:
COG8-congenital disorder of glycosylation. Also called: CDG IIh; COG8-CDG. Identifiers: Orphanet 95428, MedGen C1970021, MONDO:0012635, OMIM 611182.

Allele frequency attached by ClinVar (database versions not stated): 1000 Genomes Project 30x 0.00016; ExAC 0.00035; gnomAD exomes 0.00040; gnomAD 0.00051; TOPMed 0.00065; ESP Exome Variant Server 0.00077.
gnomAD v4.1: 1,421 of 1,614,112 alleles (0.088%); highest among the groups gnomAD compares: Non-Finnish European, 0.11%; no homozygotes.

Submissions (5):

Labcorp Genetics (formerly Invitae), Labcorp
Classification: Likely benign for COG8-congenital disorder of glycosylation. Last evaluated: 2025-09-23. Review status: criteria provided, single submitter. Criteria: Invitae Variant Classification Sherloc (09022015). Collection method: clinical testing. Allele origin: germline.

CeGaT Center for Human Genetics Tuebingen
Classification: Likely benign. Last evaluated: 2025-09-01. Review status: criteria provided, single submitter. Criteria: CeGaT Center For Human Genetics Tuebingen Variant Classification Criteria Version 2. Collection method: clinical testing. Allele origin: germline. Affected: yes. Observed: 1 variant allele.
Comment: COG8: BP4, BP7

Blueprint Genetics
Classification: Likely benign. Last evaluated: 2024-11-20. Review status: criteria provided, single submitter. Criteria: ACMG Guidelines, 2015. Collection method: clinical testing. Allele origin: germline.

GeneDx
Classification: Likely benign. Last evaluated: 2017-03-14. Review status: criteria provided, single submitter. Criteria: GeneDx Variant Classification (06012015). Collection method: clinical testing. Allele origin: germline. Affected: yes.
Comment: This variant is considered likely benign or benign based on one or more of the following criteria: it is a conservative change, it occurs at a poorly conserved position in the protein, it is predicted to be benign by multiple in silico algorithms, and/or has population frequency not consistent with disease.

Eurofins Ntd Llc (ga)
Classification: Uncertain significance. Last evaluated: 2015-02-05. Review status: criteria provided, single submitter. Criteria: EGL Classification Definitions 2015. Collection method: clinical testing. Allele origin: germline. Observed: 1 variant allele, 1 heterozygote.